The following is an entry in ClinVar:

ClinVar aggregate classification (germline): Uncertain significance (1 of 4 stars; one submission).

Conditions:
Cardiovascular phenotype. Identifiers: MedGen CN230736.

Submission:

Ambry Genetics
Classification: Uncertain significance for Cardiovascular phenotype. Last evaluated: 2025-06-20. Review status: criteria provided, single submitter. Criteria: Ambry Variant Classification Scheme 2023. Collection method: clinical testing. Allele origin: germline.
Comment: The p.R246Q variant (also known as c.737G>A), located in coding exon 4 of the CBL gene, results from a G to A substitution at nucleotide position 737. The arginine at codon 246 is replaced by glutamine, an amino acid with highly similar properties. This amino acid position is conserved. In addition, this alteration is predicted to be deleterious by in silico analysis. Based on the available evidence, the clinical significance of this variant remains unclear.

NM_005188.4(CBL):c.737G>A (p.Arg246Gln)

Gene: CBL (Cbl proto-oncogene; plus strand). Cytogenetic location: 11q23.3.
Variant type: single nucleotide variant.
Coding change: c.737G>A on transcript NM_005188.4 (MANE Select); coding-DNA position 737, G replaced by A.
Protein change: p.Arg246Gln; replaces arginine 246 with glutamine.
Molecular consequence: missense variant.
Genome position (GRCh38, 1-based): chr11:119,274,014, G>A. VCF-style: chr11-119274014-G-A. GRCh37 (hg19) VCF-style: chr11-119144724-G-A.
Other names: short protein forms R246Q.
Identifiers: ClinVar variation 4219837 (VCV004219837.1).
Genomic context (GRCh38, chr11:119,274,014, plus strand): 5'-CCACTATTGATCTGACCTGCAATGATTATATTTCGGTTTTTGAATTTGACATCTTTACCC[G>A]ACTCTTTCAGGTAGGACACTAAAAAAGTTGACTAAACTGGTTACTGCTACTTCGGTGAAG-3'
Protein context (NP_005179.2, residues 236-256): ISVFEFDIFT[Arg246Gln]LFQPWSSLLR